The following is an entry in ClinVar:

NM_144498.4(OSBPL2):c.*23C>G

Gene: OSBPL2 (oxysterol binding protein like 2; plus strand). Cytogenetic location: 20q13.33.
Variant type: single nucleotide variant.
Coding change: c.*23C>G on transcript NM_144498.4 (MANE Select); 23 bases downstream of the stop codon, C replaced by G.
Molecular consequence: 3 prime UTR variant. On other transcripts: missense variant (1).
Genome position (GRCh38, 1-based): chr20:62,293,910, C>G. VCF-style: chr20-62293910-C-G. GRCh37 (hg19) VCF-style: chr20-60868966-C-G.
Other names: c.1066C>G, p.Arg356Gly (NM_001278649.3); c.*23C>G (NM_001363878.2, NM_014835.5); c.1066C>G (NM_001278649.1); short protein forms R356G.
Identifiers: ClinVar variation 930115 (VCV000930115.10), dbSNP rs115390538, ClinGen allele CA9938843.

ClinVar aggregate classification (germline): Benign/Likely benign. Review status: criteria provided, multiple submitters, no conflicts (2 of 4 stars). 5 submissions from 5 submitters: Benign (1); Likely benign (3). 1 of the submissions does not count toward it. Last evaluated 2024-10-23.

Conditions:
OSBPL2-related disorder. Also called: OSBPL2-related condition.

Allele frequency attached by ClinVar (database versions not stated): 1000 Genomes Project 30x 0.00047; 1000 Genomes Project 0.00060; TOPMed 0.00119.

Submissions (5):

Blueprint Genetics
Classification: Likely benign. Last evaluated: 2024-10-23. Review status: criteria provided, single submitter. Criteria: ACMG Guidelines, 2015. Collection method: clinical testing. Allele origin: germline.

GeneDx
Classification: Likely benign. Last evaluated: 2021-02-26. Review status: criteria provided, single submitter. Criteria: GeneDx Variant Classification Process June 2021. Collection method: clinical testing. Allele origin: germline. Affected: yes.

Laboratory for Molecular Medicine, Mass General Brigham Personalized Medicine
Classification: Benign. Last evaluated: 2019-07-09. Review status: criteria provided, single submitter. Criteria: LMM Criteria. Collection method: clinical testing. Allele origin: germline. Observed: 1 variant allele.
Comment: The p.Arg356Gly variant in OSBPL2 is classified as benign because it has not been reported in individuals with hearing loss, but has been identified in 1.2% (119/9938) of Ashkenazi Jewish and 0.12% (36/29734) of South Asian chromosomes by gnomAD, including 3 homozygous individuals. ACMG/AMP Criteria applied: BA1.

Breakthrough Genomics
Classification: Likely benign. Review status: criteria provided, single submitter. Criteria: ACMG Guidelines, 2015. Collection method: not provided. Allele origin: germline. Inheritance: Autosomal dominant inheritance. Affected: yes.

PreventionGenetics, part of Exact Sciences
Classification: Benign for OSBPL2-related condition. Last evaluated: 2019-11-13. Review status: no assertion criteria provided. Collection method: clinical testing. Allele origin: germline. Not counted in ClinVar's aggregate classification.
Comment: This variant is classified as benign based on ACMG/AMP sequence variant interpretation guidelines (Richards et al. 2015 PMID: 25741868, with internal and published modifications).